The following is an entry in ClinVar:

ClinVar aggregate classification (germline): Uncertain significance. Review status: criteria provided, multiple submitters, no conflicts (2 of 4 stars). 2 submissions from 2 submitters: Uncertain significance (2). Last evaluated 2024-10-22.

Allele frequency attached by ClinVar (database versions not stated): gnomAD exomes 0.00002; TOPMed 0.00002; gnomAD 0.00003 and 0.00005; ExAC 0.00011.

Submissions (2):

Labcorp Genetics (formerly Invitae), Labcorp
Classification: Uncertain significance. Last evaluated: 2024-10-22. Review status: criteria provided, single submitter. Criteria: Invitae Variant Classification Sherloc (09022015). Collection method: clinical testing. Allele origin: germline.
Comment: This sequence change replaces asparagine with lysine at codon 46 of the CFD protein (p.Asn46Lys). The asparagine residue is moderately conserved and there is a moderate physicochemical difference between asparagine and lysine. The frequency data for this variant in the population databases is considered unreliable, as metrics indicate poor data quality at this position in the gnomAD database. This variant has not been reported in the literature in individuals affected with CFD-related conditions. ClinVar contains an entry for this variant (Variation ID: 1449869). An algorithm developed to predict the effect of missense changes on protein structure and function (PolyPhen-2) suggests that this variant is likely to be disruptive. In summary, the available evidence is currently insufficient to determine the role of this variant in disease. Therefore, it has been classified as a Variant of Uncertain Significance.

Blueprint Genetics
Classification: Uncertain significance. Last evaluated: 2024-02-29. Review status: criteria provided, single submitter. Criteria: ACMG Guidelines, 2015. Collection method: clinical testing. Allele origin: germline.

NM_001928.4(CFD):c.138C>A (p.Asn46Lys)

Gene: CFD (complement factor D; plus strand). Cytogenetic location: 19p13.3.
Variant type: single nucleotide variant.
Coding change: c.138C>A on transcript NM_001928.4 (MANE Select); coding-DNA position 138, C replaced by A.
Protein change: p.Asn46Lys; replaces asparagine 46 with lysine.
Molecular consequence: missense variant.
Genome position (GRCh38, 1-based): chr19:860,699, C>A. VCF-style: chr19-860699-C-A. GRCh37 (hg19) VCF-style: chr19-860699-C-A.
Other names: c.159C>A, p.Asn53Lys (NM_001317335.2); short protein forms N46K, N53K.
Identifiers: ClinVar variation 1449869 (VCV001449869.6), dbSNP rs763026937, ClinGen allele CA9026228.